The following is an entry in ClinVar:

ClinVar aggregate classification (germline): Uncertain significance. Review status: criteria provided, multiple submitters, no conflicts (2 of 4 stars). 2 submissions from 2 submitters: Uncertain significance (2). Last evaluated 2024-05-01.

Conditions:
Amyotrophic lateral sclerosis type 6. Also called: FUS-Related Amyotrophic Laterial Sclerosis; AMYOTROPHIC LATERAL SCLEROSIS 6 WITHOUT FRONTOTEMPORAL DEMENTIA; Amyotrophic lateral sclerosis 6, with or without frontotemporal dementia. Identifiers: Orphanet 275872, Orphanet 803, MedGen C2931786, MONDO:0011951, OMIM 608030.
Tremor, hereditary essential, 4 (ETM4). Identifiers: MedGen C3539195, MONDO:0013888, OMIM 614782.

Allele frequency attached by ClinVar (database versions not stated): gnomAD 0.00001; TOPMed 0.00001.
gnomAD v4.1: 20 of 1,613,646 alleles (0.0012%); highest among the groups gnomAD compares: Non-Finnish European, 0.0014%; no homozygotes.

Submissions (2):

CeGaT Center for Human Genetics Tuebingen
Classification: Uncertain significance. Last evaluated: 2024-05-01. Review status: criteria provided, single submitter. Criteria: CeGaT Center For Human Genetics Tuebingen Variant Classification Criteria Version 2. Collection method: clinical testing. Allele origin: germline. Affected: yes. Observed: 1 variant allele.
Comment: FUS: PM2

Labcorp Genetics (formerly Invitae), Labcorp
Classification: Uncertain significance for Tremor, hereditary essential, 4; Amyotrophic lateral sclerosis type 6. Last evaluated: 2022-09-09. Review status: criteria provided, single submitter. Criteria: Invitae Variant Classification Sherloc (09022015). Collection method: clinical testing. Allele origin: germline.
Comment: This sequence change replaces glutamine, which is neutral and polar, with histidine, which is basic and polar, at codon 179 of the FUS protein (p.Gln179His). This variant is not present in population databases (gnomAD no frequency). This variant has not been reported in the literature in individuals affected with FUS-related conditions. Algorithms developed to predict the effect of missense changes on protein structure and function are either unavailable or do not agree on the potential impact of this missense change (SIFT: "Deleterious"; PolyPhen-2: "Not Available"; Align-GVGD: "Class C0"). In summary, the available evidence is currently insufficient to determine the role of this variant in disease. Therefore, it has been classified as a Variant of Uncertain Significance.

NM_004960.4(FUS):c.537A>C (p.Gln179His)

Gene: FUS (FUS DNA/RNA binding protein; plus strand). Cytogenetic location: 16p11.2.
Variant type: single nucleotide variant.
Coding change: c.537A>C on transcript NM_004960.4 (MANE Select); coding-DNA position 537, A replaced by C.
Protein change: p.Gln179His; replaces glutamine 179 with histidine.
Molecular consequence: missense variant. On other transcripts: non-coding transcript variant (1).
Genome position (GRCh38, 1-based): chr16:31,184,952, A>C. VCF-style: chr16-31184952-A-C. GRCh37 (hg19) VCF-style: chr16-31196273-A-C.
Other names: c.534A>C, p.Gln178His (NM_001170634.1); c.525A>C, p.Gln175His (NM_001170937.1); short protein forms Q178H, Q179H, Q175H.
Identifiers: ClinVar variation 2068354 (VCV002068354.23), dbSNP rs1423300240, ClinGen allele CA395669543.